The following is an entry in ClinVar:

ClinVar aggregate classification (germline): Uncertain significance. Review status: criteria provided, multiple submitters, no conflicts (2 of 4 stars). 2 submissions from 2 submitters: Uncertain significance (2). Last evaluated 2024-12-23.

Conditions:
Inborn genetic diseases. Identifiers: MedGen C0950123, MeSH D030342.

Allele frequency attached by ClinVar (database versions not stated): ExAC 0.00001; gnomAD exomes 0.00002 and 0.00003; TOPMed 0.00002; gnomAD 0.00004.
gnomAD v4.1: 32 of 1,612,942 alleles (0.002%); highest among the groups gnomAD compares: Middle Eastern, 0.016%; no homozygotes.

Submissions (2):

Ambry Genetics
Classification: Uncertain significance for Inborn genetic diseases. Last evaluated: 2024-12-23. Review status: criteria provided, single submitter. Criteria: Ambry Variant Classification Scheme 2023. Collection method: clinical testing. Allele origin: germline.

Labcorp Genetics (formerly Invitae), Labcorp
Classification: Uncertain significance. Last evaluated: 2022-07-14. Review status: criteria provided, single submitter. Criteria: Invitae Variant Classification Sherloc (09022015). Collection method: clinical testing. Allele origin: germline.
Comment: This sequence change replaces arginine, which is basic and polar, with cysteine, which is neutral and slightly polar, at codon 1664 of the TUBGCP6 protein (p.Arg1664Cys). This variant is present in population databases (rs762437689, gnomAD 0.02%). This variant has not been reported in the literature in individuals affected with TUBGCP6-related conditions. ClinVar contains an entry for this variant (Variation ID: 1040908). Algorithms developed to predict the effect of missense changes on protein structure and function are either unavailable or do not agree on the potential impact of this missense change (SIFT: "Deleterious"; PolyPhen-2: "Probably Damaging"; Align-GVGD: "Class C0"). In summary, the available evidence is currently insufficient to determine the role of this variant in disease. Therefore, it has been classified as a Variant of Uncertain Significance.

NM_020461.4(TUBGCP6):c.4990C>T (p.Arg1664Cys)

Gene: TUBGCP6 (tubulin gamma complex component 6; minus strand). Cytogenetic location: 22q13.33.
Variant type: single nucleotide variant.
Coding change: c.4990C>T on transcript NM_020461.4 (MANE Select); coding-DNA position 4990, C replaced by T.
Protein change: p.Arg1664Cys; replaces arginine 1664 with cysteine.
Molecular consequence: missense variant.
Genome position (GRCh38, 1-based): chr22:50,218,367, G>A on the plus strand (C>T on the coding strand, the complement: TUBGCP6 is on the minus strand). VCF-style: chr22-50218367-G-A. GRCh37 (hg19) VCF-style: chr22-50656796-G-A.
Other names: c.4990C>T (NM_020461.3); short protein forms R1664C.
Identifiers: ClinVar variation 1040908 (VCV001040908.3), dbSNP rs762437689, ClinGen allele CA10307214.
Genomic context (GRCh38, chr22:50,218,367, plus strand): 5'-TGTAGCCCTGGATGACCTTCACGAAATGCTGCATCTCGTGCTTGAACAGCTGCAGCTGAC[G>A]GAACTGCACAGAGCCGGCCATGTGGCTCAGCAGGGCTGGCGGAGGGCAGAAGGCAGAGGG-3'
Protein context (NP_065194.3, residues 1654-1674): LSHMAGSVQF[Arg1664Cys]QLQLFKHEMQ